The following is an entry in ClinVar:

ClinVar aggregate classification (germline): Likely pathogenic (1 of 4 stars; one submission).

Submission:

GeneDx
Classification: Likely pathogenic. Last evaluated: 2017-01-24. Review status: criteria provided, single submitter. Criteria: GeneDx Variant Classification (06012015). Collection method: clinical testing. Allele origin: germline. Affected: yes.
Comment: The c.117_117+2delGGT variant has not been reported previously as a pathogenic variant nor as a benign variant, to our knowledge. This variant results in the the deletion of three nucleotides spanning the exon 3/intron 3 boundary. It is predicted to destroy the splice donor site in intron 3, and is expected to cause abnormal gene splicing. The c.117_117+2delGGT variant is not observed in large population cohorts (Lek et al., 2016; 1000 Genomes Consortium et al., 2015; Exome Variant Server). We interpret c.117_117+2delGGT as a likely pathogenic variant.

NM_000430.4(PAFAH1B1):c.117_117+2del

Gene: PAFAH1B1 (platelet activating factor acetylhydrolase 1b regulatory subunit 1; plus strand). Cytogenetic location: 17p13.3.
Variant type: Deletion.
Coding change: c.117_117+2del on transcript NM_000430.4 (MANE Select); coding-DNA position 117 through the canonical splice donor site of the intron after coding-DNA position 117, 3 bases deleted (GGT; older notation c.117_117+2delGGT).
Molecular consequence: splice donor variant.
Genome position (GRCh38, 1-based): chr17:2,665,456-2,665,458, GGT deleted; deleting any 3 consecutive bases within chr17:2,665,454-2,665,458 gives the same sequence; the c. name uses the placement nearest the transcript's 3' end. VCF-style (leftmost placement, unchanged base first): chr17-2665453-TGTG-T. GRCh37 (hg19) VCF-style: chr17-2568747-TGTG-T.
Other names: c.117_117+2delGGT (NM_000430.3).
Identifiers: ClinVar variation 423104 (VCV000423104.2), dbSNP rs1064796229, ClinGen allele CA16620347.